The following is an entry in ClinVar:

NM_002225.5(IVD):c.821A>G (p.Tyr274Cys)

Gene: IVD (isovaleryl-CoA dehydrogenase; plus strand). Cytogenetic location: 15q15.1.
Variant type: single nucleotide variant.
Coding change: c.821A>G on transcript NM_002225.5 (MANE Select); coding-DNA position 821, A replaced by G.
Protein change: p.Tyr274Cys; replaces tyrosine 274 with cysteine.
Molecular consequence: missense variant. On other transcripts: non-coding transcript variant (1).
Genome position (GRCh38, 1-based): chr15:40,414,925, A>G. VCF-style: chr15-40414925-A-G. GRCh37 (hg19) VCF-style: chr15-40707124-A-G.
Other names: c.731A>G, p.Tyr244Cys (NM_001159508.3); c.773A>G, p.Tyr258Cys (NM_001354597.3); c.821A>G, p.Tyr274Cys (NM_001354598.3, NM_001354601.3); c.908A>G, p.Tyr303Cys (NM_001354599.3, NM_001354600.3); short protein forms Y244C, Y258C, Y274C, Y303C.
Identifiers: ClinVar variation 1974928 (VCV001974928.2), dbSNP rs764657640, ClinGen allele CA7480756.

ClinVar aggregate classification (germline): Uncertain significance (1 of 4 stars; one submission).

Conditions:
Isovaleryl-CoA dehydrogenase deficiency (IVA). Also called: Isovaleric acidemia; Classic Isovaleric Acidemia; ISOVALERIC ACID CoA DEHYDROGENASE DEFICIENCY; IVD DEFICIENCY. Identifiers: Orphanet 33, MedGen C0268575, MONDO:0009475, OMIM 243500.

Allele frequency attached by ClinVar (database versions not stated): ExAC 0.00001.
gnomAD v4.1: 6 of 1,614,136 alleles (0.00037%); highest among the groups gnomAD compares: South Asian, 0.0055%; no homozygotes.

Submission:

Labcorp Genetics (formerly Invitae), Labcorp
Classification: Uncertain significance for Isovaleryl-CoA dehydrogenase deficiency. Last evaluated: 2022-06-22. Review status: criteria provided, single submitter. Criteria: Invitae Variant Classification Sherloc (09022015). Collection method: clinical testing. Allele origin: germline.
Comment: This sequence change replaces tyrosine, which is neutral and polar, with cysteine, which is neutral and slightly polar, at codon 277 of the IVD protein (p.Tyr277Cys). This variant is present in population databases (rs764657640, gnomAD 0.007%). This variant has not been reported in the literature in individuals affected with IVD-related conditions. Algorithms developed to predict the effect of missense changes on protein structure and function (SIFT, PolyPhen-2, Align-GVGD) all suggest that this variant is likely to be disruptive. In summary, the available evidence is currently insufficient to determine the role of this variant in disease. Therefore, it has been classified as a Variant of Uncertain Significance.